The following is an entry in ClinVar:

NM_003680.4(YARS1):c.57+14G>T

Genes: S100PBP (S100P binding protein; plus strand), YARS1 (tyrosyl-tRNA synthetase 1; minus strand). Cytogenetic location: 1p35.1.
Variant type: single nucleotide variant.
Coding change: c.57+14G>T on transcript NM_003680.4 (MANE Select); 14 bases into the intron after coding-DNA position 57, G replaced by T.
Molecular consequence: intron variant.
Genome position (GRCh38, 1-based): chr1:32,817,174, C>A on the plus strand (G>T on the coding strand, the complement: YARS1 is on the minus strand). VCF-style: chr1-32817174-C-A. GRCh37 (hg19) VCF-style: chr1-33282775-C-A.
Identifiers: ClinVar variation 297163 (VCV000297163.13), dbSNP rs72654020, ClinGen allele CA745310.

ClinVar aggregate classification (germline): Benign. Review status: criteria provided, multiple submitters, no conflicts (2 of 4 stars). 4 submissions from 4 submitters: Benign (4). Last evaluated 2026-02-04.

Conditions:
Charcot-Marie-Tooth disease dominant intermediate C (CMTDIC). Also called: CHARCOT-MARIE-TOOTH NEUROPATHY, DOMINANT INTERMEDIATE C. Identifiers: Orphanet 100045, MedGen C1842237, MONDO:0012012, OMIM 608323.

Allele frequency attached by ClinVar (database versions not stated): 1000 Genomes Project 0.08566; 1000 Genomes Project 30x 0.09197; ESP Exome Variant Server 0.09680; gnomAD exomes 0.09753 and 0.10314; ExAC 0.09760; TOPMed 0.10359; gnomAD 0.10621.
gnomAD v4.1: 157,655 of 1,613,904 alleles (9.8%); highest among the groups gnomAD compares: Admixed American, 20%; 8,614 homozygotes.

Submissions (4):

Labcorp Genetics (formerly Invitae), Labcorp
Classification: Benign for Charcot-Marie-Tooth disease dominant intermediate C. Last evaluated: 2026-02-04. Review status: criteria provided, single submitter. Criteria: Invitae Variant Classification Sherloc (09022015). Collection method: clinical testing. Allele origin: germline.

Illumina Laboratory Services, Illumina
Classification: Benign for Charcot-Marie-Tooth disease dominant intermediate C. Last evaluated: 2018-01-12. Review status: criteria provided, single submitter. Criteria: ICSL Variant Classification Criteria 13 December 2019. Collection method: clinical testing. Allele origin: germline.
Comment: This variant was observed in the ICSL laboratory as part of a predisposition screen in an ostensibly healthy population. It had not been previously curated by ICSL or reported in the Human Gene Mutation Database (HGMD: prior to June 1st, 2018), and was therefore a candidate for classification through an automated scoring system. Utilizing variant allele frequency, disease prevalence and penetrance estimates, and inheritance mode, an automated score was calculated to assess if this variant is too frequent to cause the disease. Based on the score and internal cut-off values, a variant classified as benign is not then subjected to further curation. The score for this variant resulted in a classification of benign for this disease.

GeneDx
Classification: Benign. Last evaluated: 2015-12-23. Review status: criteria provided, single submitter. Criteria: GeneDx Variant Classification (06012015). Collection method: clinical testing. Allele origin: germline. Affected: yes.
Comment: This variant is considered likely benign or benign based on one or more of the following criteria: it is a conservative change, it occurs at a poorly conserved position in the protein, it is predicted to be benign by multiple in silico algorithms, and/or has population frequency not consistent with disease.

Breakthrough Genomics
Classification: Benign. Review status: criteria provided, single submitter. Criteria: ACMG Guidelines, 2015. Collection method: not provided. Allele origin: germline. Inheritance: Autosomal recessive inheritance. Affected: yes.